The following is an entry in ClinVar:

ClinVar aggregate classification (germline): Uncertain significance. Review status: criteria provided, multiple submitters, no conflicts (2 of 4 stars). 2 submissions from 2 submitters: Uncertain significance (2). Last evaluated 2025-08-28.

gnomAD v4.1: 116 of 1,614,226 alleles (0.0072%); highest among the groups gnomAD compares: African/African-American, 0.14%; no homozygotes.

Submissions (2):

Ambry Genetics
Classification: Uncertain significance. Last evaluated: 2025-08-28. Review status: criteria provided, single submitter. Criteria: Ambry Variant Classification Scheme 2023. Collection method: clinical testing. Allele origin: germline.

CeGaT Center for Human Genetics Tuebingen
Classification: Uncertain significance. Last evaluated: 2025-02-01. Review status: criteria provided, single submitter. Criteria: CeGaT Center For Human Genetics Tuebingen Variant Classification Criteria Version 2. Collection method: clinical testing. Allele origin: germline. Affected: yes. Observed: 1 variant allele.
Comment: TIAM1: PM2, BP4

NM_001353694.2(TIAM1):c.4701G>C (p.Glu1567Asp)

Gene: TIAM1 (TIAM Rac1 associated GEF 1; minus strand). Cytogenetic location: 21q22.11.
Variant type: single nucleotide variant.
Coding change: c.4701G>C on transcript NM_001353694.2 (MANE Select); coding-DNA position 4701, G replaced by C.
Protein change: p.Glu1567Asp; replaces glutamic acid 1567 with aspartic acid.
Molecular consequence: missense variant.
Genome position (GRCh38, 1-based): chr21:31,120,443, C>G on the plus strand (G>C on the coding strand, the complement: TIAM1 is on the minus strand). VCF-style: chr21-31120443-C-G. GRCh37 (hg19) VCF-style: chr21-32492761-C-G.
Other names: c.4701G>C (NM_003253.2); c.1800G>C, p.Glu600Asp (NM_001353684.2); c.1725G>C, p.Glu575Asp (NM_001353685.2); c.4626G>C, p.Glu1542Asp (NM_001353686.2, NM_001353687.2); c.4701G>C, p.Glu1567Asp (NM_001353688.1, NM_001353689.1, NM_001353690.1 and 4 more transcripts); short protein forms E1542D, E1567D, E575D, E600D.
Identifiers: ClinVar variation 3771127 (VCV003771127.14).
Genomic context (GRCh38, chr21:31,120,443, plus strand): 5'-CAGTTTCCTGGAGGGGGCAAAGTCTTCACGCCTAACCCAAATGACTTCCTCGCTTGCGCT[C>G]TCCAGGCCTCCATTGATCCCCGACAGGGCAGCTTGCTTCTTGAGCTGTGCCATGCGGGAC-3'
Protein context (NP_001340623.1, residues 1557-1577): AALSGINGGL[Glu1567Asp]SASEEVIWVR